The following is an entry in ClinVar:

ClinVar aggregate classification (germline): Uncertain significance (1 of 4 stars; one submission).

gnomAD v4.1: 1 of 1,613,708 alleles (0.000062%); no homozygotes.

Submission:

GeneDx
Classification: Uncertain significance. Last evaluated: 2026-05-28. Review status: criteria provided, single submitter. Criteria: GeneDx Variant Classification Process June 2021. Collection method: clinical testing. Allele origin: germline.
Comment: Not observed at significant frequency in large population cohorts (gnomAD); In silico analysis supports that this missense variant has a deleterious effect on protein structure/function; Has not been previously published as pathogenic or benign to our knowledge

NM_001080510.5(METTL23):c.442T>C (p.Trp148Arg)

Gene: METTL23 (methyltransferase 23, arginine; plus strand). Cytogenetic location: 17q25.1.
Variant type: single nucleotide variant.
Coding change: c.442T>C on transcript NM_001080510.5 (MANE Select); coding-DNA position 442, T replaced by C.
Protein change: p.Trp148Arg; replaces tryptophan 148 with arginine.
Molecular consequence: missense variant. On other transcripts: non-coding transcript variant (1).
Genome position (GRCh38, 1-based): chr17:76,733,555, T>C. VCF-style: chr17-76733555-T-C. GRCh37 (hg19) VCF-style: chr17-74729637-T-C.
Other names: c.442T>C, p.Trp148Arg (NM_001206983.3, NM_001206984.3, NM_001302703.2 and 2 more transcripts); c.241T>C, p.Trp81Arg (NM_001206985.3, NM_001206986.3, NM_001206987.3 and 2 more transcripts); c.430T>C, p.Trp144Arg (NM_001302705.2, NM_001378350.1, NM_001378351.1 and 2 more transcripts); short protein forms W144R, W148R, W81R.
Identifiers: ClinVar variation 3360367 (VCV003360367.2).